The following is an entry in ClinVar:

ClinVar aggregate classification (germline): Conflicting classifications of pathogenicity. Review status: criteria provided, conflicting classifications (1 of 4 stars). 3 submissions from 3 submitters: Uncertain significance (1); Likely benign (2). Last evaluated 2026-02-18.

Conditions:
Brugada syndrome. Also called: Sudden unexpected nocturnal death syndrome; Sudden unexplained nocturnal death syndrome; Sudden Unexplained Death Syndrome; Sudden Unexplained Nocturnal Death Syndrome (SUNDS). Identifiers: Orphanet 130, MedGen C1142166, MONDO:0015263.
Cardiovascular phenotype. Identifiers: MedGen CN230736.

Allele frequency attached by ClinVar (database versions not stated): gnomAD exomes 0.00006; ExAC 0.00010; TOPMed 0.00014; gnomAD 0.00017 and 0.00018; ESP Exome Variant Server 0.00023.
gnomAD v4.1: 52 of 1,606,936 alleles (0.0032%); highest among the groups gnomAD compares: African/African-American, 0.052%; no homozygotes.

Submissions (3):

GeneDx
Classification: Uncertain significance. Last evaluated: 2026-02-18. Review status: criteria provided, single submitter. Criteria: GeneDx Variant Classification Process June 2021. Collection method: clinical testing. Allele origin: germline.
Comment: In silico analysis suggests that this missense variant does not alter protein structure/function; Has not been previously published as pathogenic or benign to our knowledge

Labcorp Genetics (formerly Invitae), Labcorp
Classification: Likely benign for Brugada syndrome. Last evaluated: 2026-01-27. Review status: criteria provided, single submitter. Criteria: Invitae Variant Classification Sherloc (09022015). Collection method: clinical testing. Allele origin: germline.

Ambry Genetics
Classification: Likely benign for Cardiovascular phenotype. Last evaluated: 2020-10-06. Review status: criteria provided, single submitter. Criteria: Ambry Variant Classification Scheme 2023. Collection method: clinical testing. Allele origin: germline.

NM_006514.4(SCN10A):c.3173C>T (p.Ala1058Val)

Genes: SCN10A (sodium voltage-gated channel alpha subunit 10; minus strand), LOC110121288 (VISTA enhancer hs2268; plus strand). Cytogenetic location: 3p22.2.
Variant type: single nucleotide variant.
Coding change: c.3173C>T on transcript NM_006514.4 (MANE Select); coding-DNA position 3173, C replaced by T.
Protein change: p.Ala1058Val; replaces alanine 1058 with valine.
Molecular consequence: missense variant.
Genome position (GRCh38, 1-based): chr3:38,725,229, G>A on the plus strand (C>T on the coding strand, the complement: SCN10A is on the minus strand). VCF-style: chr3-38725229-G-A. GRCh37 (hg19) VCF-style: chr3-38766720-G-A.
Other names: c.3170C>T, p.Ala1057Val (NM_001293306.2); c.2879C>T, p.Ala960Val (NM_001293307.2); short protein forms A1057V, A1058V, A960V.
Identifiers: ClinVar variation 1586566 (VCV001586566.11), dbSNP rs370202955, ClinGen allele CA2320333.
Genomic context (GRCh38, chr3:38,725,229, plus strand): 5'-CCTACCTCAGCAGGGACCTGAGGAACAGACTCATCTTTCCACGTCTCACCCAGGGATGGA[G>A]CCAGGTCCTCAGAAGATGTTCCAGTGCCTGGGCTCCTGGGTGTCAGGTGGTCCCCACACC-3'
Protein context (NP_006505.4, residues 1048-1068): PGTGTSSEDL[Ala1058Val]PSLGETWKDE